The following is an entry in ClinVar:

NM_001042492.3(NF1):c.5518C>A (p.Pro1840Thr)

Gene: NF1 (neurofibromin 1; plus strand). Cytogenetic location: 17q11.2.
Variant type: single nucleotide variant.
Coding change: c.5518C>A on transcript NM_001042492.3 (MANE Select); coding-DNA position 5518, C replaced by A.
Protein change: p.Pro1840Thr; replaces proline 1840 with threonine.
Molecular consequence: missense variant.
Genome position (GRCh38, 1-based): chr17:31,327,748, C>A. VCF-style: chr17-31327748-C-A. GRCh37 (hg19) VCF-style: chr17-29654766-C-A.
Other names: c.5455C>A, p.Pro1819Thr (NM_000267.4); short protein forms P1819T, P1840T.
Identifiers: ClinVar variation 1714996 (VCV001714996.6), dbSNP rs2151541634, ClinGen allele CA399009710.

ClinVar aggregate classification (germline): Uncertain significance. Review status: criteria provided, multiple submitters, no conflicts (2 of 4 stars). 2 submissions from 2 submitters: Uncertain significance (2). Last evaluated 2026-05-11.

Conditions:
Hereditary cancer-predisposing syndrome. Also called: Hereditary Cancer Syndrome; Neoplastic Syndromes, Hereditary; Hereditary neoplastic syndrome; Tumor predisposition. Identifiers: Orphanet 140162, MedGen C0027672, MeSH D009386, MONDO:0015356.
Cardiovascular phenotype. Identifiers: MedGen CN230736.
Neurofibromatosis, type 1 (NF1). Also called: VON RECKLINGHAUSEN DISEASE; Neurofibromatosis, type I; NEUROFIBROMATOSIS, TYPE I, SOMATIC; Peripheral type neurofibromatosis. Identifiers: Orphanet 636, MedGen C0027831, MONDO:0018975, OMIM 162200. Disease mechanism: loss of function.

Submissions (2):

Ambry Genetics
Classification: Uncertain significance for Cardiovascular phenotype; Hereditary cancer-predisposing syndrome. Last evaluated: 2026-05-11. Review status: criteria provided, single submitter. Criteria: Ambry Variant Classification Scheme 2023. Collection method: clinical testing. Allele origin: germline.
Comment: The p.P1819T variant (also known as c.5455C>A), located in coding exon 37 of the NF1 gene, results from a C to A substitution at nucleotide position 5455. The proline at codon 1819 is replaced by threonine, an amino acid with highly similar properties. This amino acid position is highly conserved in available vertebrate species. In addition, this alteration is predicted to be deleterious by in silico analysis. Based on the available evidence, the clinical significance of this variant remains unclear.

Labcorp Genetics (formerly Invitae), Labcorp
Classification: Uncertain significance for Neurofibromatosis, type 1. Last evaluated: 2022-08-07. Review status: criteria provided, single submitter. Criteria: Invitae Variant Classification Sherloc (09022015). Collection method: clinical testing. Allele origin: germline.
Comment: This variant has not been reported in the literature in individuals affected with NF1-related conditions. Algorithms developed to predict the effect of missense changes on protein structure and function are either unavailable or do not agree on the potential impact of this missense change (SIFT: "Tolerated"; PolyPhen-2: "Probably Damaging"; Align-GVGD: "Class C0"). In summary, the available evidence is currently insufficient to determine the role of this variant in disease. Therefore, it has been classified as a Variant of Uncertain Significance. This variant is not present in population databases (gnomAD no frequency). This sequence change replaces proline, which is neutral and non-polar, with threonine, which is neutral and polar, at codon 1819 of the NF1 protein (p.Pro1819Thr).